The following is an entry in ClinVar:

NM_015915.5(ATL1):c.862+286C>T

Gene: ATL1 (atlastin GTPase 1; plus strand). Cytogenetic location: 14q22.1.
Variant type: single nucleotide variant.
Coding change: c.862+286C>T on transcript NM_015915.5 (MANE Select); 286 bases into the intron after coding-DNA position 862, C replaced by T.
Molecular consequence: intron variant.
Genome position (GRCh38, 1-based): chr14:50,614,797, C>T. VCF-style: chr14-50614797-C-T. GRCh37 (hg19) VCF-style: chr14-51081515-C-T.
Other names: c.862+286C>T (NM_001127713.1, NM_181598.4).
Identifiers: ClinVar variation 668735 (VCV000668735.1), dbSNP rs1353204, ClinGen allele CA15802328.

ClinVar aggregate classification (germline): Benign (1 of 4 stars; one submission).

Allele frequency attached by ClinVar (database versions not stated): gnomAD 0.51253 and 0.51951; TOPMed 0.52067; 1000 Genomes Project 30x 0.55871; 1000 Genomes Project 0.56350.
gnomAD v4.1: 78,886 of 151,836 alleles (52%); highest among the groups gnomAD compares: East Asian, 74%; 21,007 homozygotes.

Submission:

GeneDx
Classification: Benign. Last evaluated: 2018-06-19. Review status: criteria provided, single submitter. Criteria: GeneDx Variant Classification (06012015). Collection method: clinical testing. Allele origin: germline. Affected: yes.
Comment: This variant is considered likely benign or benign based on one or more of the following criteria: it is a conservative change, it occurs at a poorly conserved position in the protein, it is predicted to be benign by multiple in silico algorithms, and/or has population frequency not consistent with disease.